The following is an entry in ClinVar:

NM_004373.4(COX6A1):c.20C>T (p.Ser7Phe)

Gene: COX6A1 (cytochrome c oxidase subunit 6A1; plus strand). Cytogenetic location: 12q24.31.
Variant type: single nucleotide variant.
Coding change: c.20C>T on transcript NM_004373.4 (MANE Select); coding-DNA position 20, C replaced by T.
Protein change: p.Ser7Phe; replaces serine 7 with phenylalanine.
Molecular consequence: missense variant.
Genome position (GRCh38, 1-based): chr12:120,438,146, C>T. VCF-style: chr12-120438146-C-T. GRCh37 (hg19) VCF-style: chr12-120875949-C-T.
Other names: c.20C>T (NM_004373.2); short protein forms S7F.
Identifiers: ClinVar variation 1440660 (VCV001440660.7), dbSNP rs375856274, ClinGen allele CA6827948.
Genomic context (GRCh38, chr12:120,438,146, plus strand): 5'-TTCCACTTCCGCTTCCGGCGCTGCGGCAGTCCAGATCAAAAATGGCGGTAGTTGGTGTGT[C>T]CTCGGTTTCTCGGCTGCTGGGTCGGTCCCGCCCACAGCTGGGGCGGCCTATGTCGAGTGG-3'
Protein context (NP_004364.2, residues 1-17): MAVVGV[Ser7Phe]SVSRLLGRSR

ClinVar aggregate classification (germline): Uncertain significance. Review status: criteria provided, multiple submitters, no conflicts (2 of 4 stars). 2 submissions from 2 submitters: Uncertain significance (2). Last evaluated 2023-11-15.

Allele frequency attached by ClinVar (database versions not stated): ESP Exome Variant Server 0.00008.
gnomAD v4.1: 77 of 1,613,560 alleles (0.0048%); highest among the groups gnomAD compares: African/African-American, 0.053%; no homozygotes.

Submissions (2):

Ambry Genetics
Classification: Uncertain significance. Last evaluated: 2023-11-15. Review status: criteria provided, single submitter. Criteria: Ambry Variant Classification Scheme 2023. Collection method: clinical testing. Allele origin: germline.

Labcorp Genetics (formerly Invitae), Labcorp
Classification: Uncertain significance. Last evaluated: 2022-05-07. Review status: criteria provided, single submitter. Criteria: Invitae Variant Classification Sherloc (09022015). Collection method: clinical testing. Allele origin: germline.
Comment: This sequence change replaces serine, which is neutral and polar, with phenylalanine, which is neutral and non-polar, at codon 7 of the COX6A1 protein (p.Ser7Phe). This variant is present in population databases (rs375856274, gnomAD 0.04%). This variant has not been reported in the literature in individuals affected with COX6A1-related conditions. Algorithms developed to predict the effect of missense changes on protein structure and function output the following: SIFT: "Tolerated"; PolyPhen-2: "Not Available"; Align-GVGD: "Class C0". The phenylalanine amino acid residue is found in multiple mammalian species, which suggests that this missense change does not adversely affect protein function. In summary, the available evidence is currently insufficient to determine the role of this variant in disease. Therefore, it has been classified as a Variant of Uncertain Significance.